The following is an entry in ClinVar:

NM_003283.6(TNNT1):c.284A>G (p.Glu95Gly)

Gene: TNNT1 (troponin T1, slow skeletal type; minus strand). Cytogenetic location: 19q13.42.
Variant type: single nucleotide variant.
Coding change: c.284A>G on transcript NM_003283.6 (MANE Select); coding-DNA position 284, A replaced by G.
Protein change: p.Glu95Gly; replaces glutamic acid 95 with glycine.
Molecular consequence: missense variant.
Genome position (GRCh38, 1-based): chr19:55,141,211, T>C on the plus strand (A>G on the coding strand, the complement: TNNT1 is on the minus strand). VCF-style: chr19-55141211-T-C. GRCh37 (hg19) VCF-style: chr19-55652579-T-C.
Other names: c.284A>G, p.Glu95Gly (NM_001126132.3); c.251A>G, p.Glu84Gly (NM_001126133.3, NM_001291774.2); short protein forms E84G, E95G.
Identifiers: ClinVar variation 947022 (VCV000947022.10), dbSNP rs1308212644, ClinGen allele CA407435237.
Genomic context (GRCh38, chr19:55,141,211, plus strand): 5'-AGGAAGACCGGGGGGAACCCGGACTCTCGGCTCACAATGCGCTCCTTCAAGGCAACCAGC[T>C]CCTCTTCCTCCTTCTTCCGCTGCTCGAAATGTACATCGATGAGTGTCTGCAGCTCCAGCA-3'
Protein context (NP_003274.3, residues 85-105): HFEQRKKEEE[Glu95Gly]LVALKERIER

ClinVar aggregate classification (germline): Uncertain significance (1 of 4 stars; one submission).

Conditions:
Nemaline myopathy 5 (NEM5A). Also called: NEMALINE MYOPATHY, AMISH TYPE; NEMALINE MYOPATHY 5A, AUTOSOMAL RECESSIVE, SEVERE INFANTILE; Nemaline myopathy 5, Amish type. Identifiers: Orphanet 98902, MedGen C1854380, MONDO:0011539, OMIM 605355.

Allele frequency attached by ClinVar (database versions not stated): gnomAD exomes below 0.00001; gnomAD 0.00001.
gnomAD v4.1: 2 of 1,614,074 alleles (0.00012%); highest among the groups gnomAD compares: African/African-American, 0.0013%; no homozygotes.

Submission:

Labcorp Genetics (formerly Invitae), Labcorp
Classification: Uncertain significance for Nemaline myopathy 5. Last evaluated: 2022-03-09. Review status: criteria provided, single submitter. Criteria: Invitae Variant Classification Sherloc (09022015). Collection method: clinical testing. Allele origin: germline.
Comment: In summary, the available evidence is currently insufficient to determine the role of this variant in disease. Therefore, it has been classified as a Variant of Uncertain Significance. Algorithms developed to predict the effect of missense changes on protein structure and function (SIFT, PolyPhen-2, Align-GVGD) all suggest that this variant is likely to be disruptive. ClinVar contains an entry for this variant (Variation ID: 947022). This variant has not been reported in the literature in individuals affected with TNNT1-related conditions. This variant is present in population databases (no rsID available, gnomAD 0.01%). This sequence change replaces glutamic acid, which is acidic and polar, with glycine, which is neutral and non-polar, at codon 95 of the TNNT1 protein (p.Glu95Gly).